The following is an entry in ClinVar:

NM_004260.4(RECQL4):c.1435C>G (p.Gln479Glu)

Gene: RECQL4 (RecQ like helicase 4; minus strand). Cytogenetic location: 8q24.3.
Variant type: single nucleotide variant.
Coding change: c.1435C>G on transcript NM_004260.4 (MANE Select); coding-DNA position 1435, C replaced by G.
Protein change: p.Gln479Glu; replaces glutamine 479 with glutamic acid.
Molecular consequence: missense variant. On other transcripts: 5 prime UTR variant (1), non-coding transcript variant (3).
Genome position (GRCh38, 1-based): chr8:144,515,198, G>C on the plus strand (C>G on the coding strand, the complement: RECQL4 is on the minus strand). VCF-style: chr8-144515198-G-C. GRCh37 (hg19) VCF-style: chr8-145740582-G-C.
Other names: c.298C>G, p.Gln100Glu (NM_001413031.1, NM_001413032.1, NM_001413041.1 and 2 more transcripts); c.1435C>G, p.Gln479Glu (NM_001413033.1, NM_001413036.1, NM_001413039.1 and 2 more transcripts); c.364C>G, p.Gln122Glu (NM_001413034.1, NM_001413035.1, NM_001413037.1 and 8 more transcripts); c.-33C>G (NM_001413043.1); c.1339C>G, p.Gln447Glu (NM_001413017.1, NM_001413020.1); c.1306C>G, p.Gln436Glu (NM_001413025.1); c.1084C>G, p.Gln362Glu (NM_001413029.1); short protein forms Q479E, Q100E, Q122E, Q362E, Q436E, Q447E.
Identifiers: ClinVar variation 2712455 (VCV002712455.3), dbSNP rs1254532871, ClinGen allele CA372684833.

ClinVar aggregate classification (germline): Uncertain significance (1 of 4 stars; one submission).

Conditions:
Baller-Gerold syndrome (BGS). Also called: CRANIOSYNOSTOSIS WITH RADIAL DEFECTS. Identifiers: Orphanet 1225, MedGen C0265308, MONDO:0009039, OMIM 218600.

Submission:

Labcorp Genetics (formerly Invitae), Labcorp
Classification: Uncertain significance for Baller-Gerold syndrome. Last evaluated: 2024-01-26. Review status: criteria provided, single submitter. Criteria: Invitae Variant Classification Sherloc (09022015). Collection method: clinical testing. Allele origin: germline.
Comment: This sequence change replaces glutamine, which is neutral and polar, with glutamic acid, which is acidic and polar, at codon 479 of the RECQL4 protein (p.Gln479Glu). This variant is not present in population databases (gnomAD no frequency). This variant has not been reported in the literature in individuals affected with RECQL4-related conditions. Advanced modeling of protein sequence and biophysical properties (such as structural, functional, and spatial information, amino acid conservation, physicochemical variation, residue mobility, and thermodynamic stability) performed at Invitae indicates that this missense variant is not expected to disrupt RECQL4 protein function with a negative predictive value of 80%. In summary, the available evidence is currently insufficient to determine the role of this variant in disease. Therefore, it has been classified as a Variant of Uncertain Significance.